The following is an entry in ClinVar:

ClinVar aggregate classification (germline): Uncertain significance (1 of 4 stars; one submission).

Allele frequency attached by ClinVar (database versions not stated): gnomAD exomes below 0.00001; gnomAD 0.00001; TOPMed 0.00001.
gnomAD v4.1: 4 of 1,568,324 alleles (0.00026%); highest among the groups gnomAD compares: Non-Finnish European, 0.00035%; no homozygotes.

Submission:

Labcorp Genetics (formerly Invitae), Labcorp
Classification: Uncertain significance. Last evaluated: 2022-08-23. Review status: criteria provided, single submitter. Criteria: Invitae Variant Classification Sherloc (09022015). Collection method: clinical testing. Allele origin: germline.
Comment: In summary, the available evidence is currently insufficient to determine the role of this variant in disease. Therefore, it has been classified as a Variant of Uncertain Significance. This sequence change falls in intron 13 of the ERCC3 gene. It does not directly change the encoded amino acid sequence of the ERCC3 protein. It affects a nucleotide within the consensus splice site. This variant is present in population databases (no rsID available, gnomAD 0.0009%). This variant has not been reported in the literature in individuals affected with ERCC3-related conditions. ClinVar contains an entry for this variant (Variation ID: 1497934). Variants that disrupt the consensus splice site are a relatively common cause of aberrant splicing (PMID: 17576681, 9536098). Algorithms developed to predict the effect of sequence changes on RNA splicing suggest that this variant is not likely to affect RNA splicing.

Literature cited by the submitters: PubMed 17576681; PubMed 9536098.

NM_000122.2(ERCC3):c.2064+4C>T

Gene: ERCC3 (ERCC excision repair 3, TFIIH core complex helicase subunit; minus strand). Cytogenetic location: 2q14.3.
Variant type: single nucleotide variant.
Coding change: c.2064+4C>T on transcript NM_000122.2 (MANE Select); 4 bases into the intron after coding-DNA position 2064, C replaced by T.
Molecular consequence: intron variant.
Genome position (GRCh38, 1-based): chr2:127,261,224, G>A on the plus strand (C>T on the coding strand, the complement: ERCC3 is on the minus strand). VCF-style: chr2-127261224-G-A. GRCh37 (hg19) VCF-style: chr2-128018800-G-A.
Other names: c.1872+4C>T (NM_001303416.2, NM_001303418.2).
Identifiers: ClinVar variation 1497934 (VCV001497934.6), dbSNP rs975748269, ClinGen allele CA55372365.
Genomic context (GRCh38, chr2:127,261,224, plus strand): 5'-CTGGAGGCCAGGGTATCAAGAAGGCCTTGGTCCTAGTCTAACCAGAAGCCAAATGGATAT[G>A]TACCTTGAAGCTATAACCTTGATCTACCAAGAATCTCTGCCGCTTGGTTGAGTAAGCCAT-3'